The following is an entry in ClinVar:

NM_018344.6(SLC29A3):c.403G>C (p.Val135Leu)

Gene: SLC29A3 (solute carrier family 29 member 3; plus strand). Cytogenetic location: 10q22.1.
Variant type: single nucleotide variant.
Coding change: c.403G>C on transcript NM_018344.6 (MANE Select); coding-DNA position 403, G replaced by C.
Protein change: p.Val135Leu; replaces valine 135 with leucine.
Molecular consequence: missense variant. On other transcripts: non-coding transcript variant (1).
Genome position (GRCh38, 1-based): chr10:71,351,581, G>C. VCF-style: chr10-71351581-G-C. GRCh37 (hg19) VCF-style: chr10-73111338-G-C.
Other names: c.403G>C, p.Val135Leu (NM_001174098.2); c.169G>C, p.Val57Leu (NM_001363518.2); short protein forms V135L, V57L.
Identifiers: ClinVar variation 2118912 (VCV002118912.4), dbSNP rs2492466773, ClinGen allele CA377109344.

ClinVar aggregate classification (germline): Uncertain significance (1 of 4 stars; one submission).

Conditions:
H syndrome. Also called: Asrar Facharzt Haque syndrome; FAISALABAD HISTIOCYTOSIS; Pigmented hypertrichosis and insulin-dependent diabetes mellitus; HISTIOCYTOSIS AND LYMPHADENOPATHY WITH OR WITHOUT CUTANEOUS, CARDIAC, AND/OR ENDOCRINE FEATURES, JOINT CONTRACTURES, AND/OR DEAFNESS; HYPERPIGMENTATION, CUTANEOUS, WITH HYPERTRICHOSIS, HEPATOSPLENOMEGALY, HEART ANOMALIES, AND HYPOGONADISM WITH OR WITHOUT HEARING LOSS; PIGMENTED HYPERTRICHOSIS WITH INSULIN-DEPENDENT DIABETES MELLITUS. Identifiers: Orphanet 168569, MedGen C1864445, MONDO:0011273, OMIM 602782.

Submission:

Labcorp Genetics (formerly Invitae), Labcorp
Classification: Uncertain significance for H syndrome. Last evaluated: 2022-11-14. Review status: criteria provided, single submitter. Criteria: Invitae Variant Classification Sherloc (09022015). Collection method: clinical testing. Allele origin: germline.
Comment: In summary, the available evidence is currently insufficient to determine the role of this variant in disease. Therefore, it has been classified as a Variant of Uncertain Significance. Advanced modeling of protein sequence and biophysical properties (such as structural, functional, and spatial information, amino acid conservation, physicochemical variation, residue mobility, and thermodynamic stability) performed at Invitae indicates that this missense variant is not expected to disrupt SLC29A3 protein function. This variant has not been reported in the literature in individuals affected with SLC29A3-related conditions. This variant is not present in population databases (gnomAD no frequency). This sequence change replaces valine, which is neutral and non-polar, with leucine, which is neutral and non-polar, at codon 135 of the SLC29A3 protein (p.Val135Leu).